The following is an entry in ClinVar:

ClinVar aggregate classification (germline): Uncertain significance. Review status: criteria provided, multiple submitters, no conflicts (2 of 4 stars). 2 submissions from 2 submitters: Uncertain significance (2). Last evaluated 2025-01-08.

Conditions:
Inborn genetic diseases. Identifiers: MedGen C0950123, MeSH D030342.
Familial episodic pain syndrome with predominantly lower limb involvement. Also called: Episodic pain syndrome, familial, 3. Identifiers: Orphanet 391384, Orphanet 391392, MedGen C3809899, MONDO:0014247, OMIM 615552.
Hereditary sensory and autonomic neuropathy type 7. Also called: Neuropathy, hereditary sensory and autonomic, type VII; HSAN VII. Identifiers: Orphanet 391397, MedGen C3809882, MONDO:0014244, OMIM 615548.

gnomAD v4.1: 2 of 1,613,676 alleles (0.00012%); highest among the groups gnomAD compares: East Asian, 0.0022%; no homozygotes.

Submissions (3):

Ambry Genetics
Classification: Uncertain significance for Inborn genetic diseases. Last evaluated: 2025-01-08. Review status: criteria provided, single submitter. Criteria: Ambry Variant Classification Scheme 2023. Collection method: clinical testing. Allele origin: germline.

Labcorp Genetics (formerly Invitae), Labcorp
Classification: Uncertain significance for Familial episodic pain syndrome with predominantly lower limb involvement; Hereditary sensory and autonomic neuropathy type 7. Last evaluated: 2023-07-06. Review status: criteria provided, single submitter. Criteria: Invitae Variant Classification Sherloc (09022015). Collection method: clinical testing. Allele origin: germline.
Comment: This sequence change replaces aspartic acid, which is acidic and polar, with glycine, which is neutral and non-polar, at codon 932 of the SCN11A protein (p.Asp932Gly). This variant is present in population databases (no rsID available, gnomAD 0.006%). This variant has not been reported in the literature in individuals affected with SCN11A-related conditions. An algorithm developed to predict the effect of missense changes on protein structure and function (PolyPhen-2) suggests that this variant is likely to be tolerated. Algorithms developed to predict the effect of sequence changes on RNA splicing suggest that this variant may disrupt the consensus splice site. In summary, the available evidence is currently insufficient to determine the role of this variant in disease. Therefore, it has been classified as a Variant of Uncertain Significance.

Dr. Peter K. Rogan Lab, Western University
No classification provided (evidence only). Condition: Sarcoma. Review status: no classification provided. Collection method: in vitro. Allele origin: not applicable. Functional consequence: retained intron. Not counted in ClinVar's aggregate classification.

NM_001349253.2(SCN11A):c.2795A>G (p.Asp932Gly)

Gene: SCN11A (sodium voltage-gated channel alpha subunit 11; minus strand). Cytogenetic location: 3p22.2.
Variant type: single nucleotide variant.
Coding change: c.2795A>G on transcript NM_001349253.2 (MANE Select); coding-DNA position 2795, A replaced by G.
Protein change: p.Asp932Gly; replaces aspartic acid 932 with glycine.
Molecular consequence: missense variant.
Genome position (GRCh38, 1-based): chr3:38,894,573, T>C on the plus strand (A>G on the coding strand, the complement: SCN11A is on the minus strand). VCF-style: chr3-38894573-T-C. GRCh37 (hg19) VCF-style: chr3-38936064-T-C.
Other names: c.2795A>G, p.Asp932Gly (NM_014139.3); c.2795A>G (NM_014139.2); short protein forms D932G.
Identifiers: ClinVar variation 2924849 (VCV002924849.5), dbSNP rs776235253, ClinGen allele CA352174368.